The following is an entry in ClinVar:

ClinVar aggregate classification (germline): Uncertain significance. Review status: criteria provided, single submitter (1 of 4 stars). 2 submissions from 2 submitters: Uncertain significance (1). 1 of the submissions does not count toward it. Last evaluated 2024-08-03.

Conditions:
NTRK2-related disorder. Also called: NTRK2-related condition.

Allele frequency attached by ClinVar (database versions not stated): TOPMed 0.00001.

Submissions (2):

Labcorp Genetics (formerly Invitae), Labcorp
Classification: Uncertain significance. Last evaluated: 2024-08-03. Review status: criteria provided, single submitter. Criteria: Invitae Variant Classification Sherloc (09022015). Collection method: clinical testing. Allele origin: germline.
Comment: This sequence change replaces threonine, which is neutral and polar, with isoleucine, which is neutral and non-polar, at codon 783 of the NTRK2 protein (p.Thr783Ile). This variant is not present in population databases (gnomAD no frequency). This variant has not been reported in the literature in individuals affected with NTRK2-related conditions. ClinVar contains an entry for this variant (Variation ID: 1951109). Advanced modeling of protein sequence and biophysical properties (such as structural, functional, and spatial information, amino acid conservation, physicochemical variation, residue mobility, and thermodynamic stability) has been performed at Invitae for this missense variant, however the output from this modeling did not meet the statistical confidence thresholds required to predict the impact of this variant on NTRK2 protein function. In summary, the available evidence is currently insufficient to determine the role of this variant in disease. Therefore, it has been classified as a Variant of Uncertain Significance.

PreventionGenetics, part of Exact Sciences
Classification: Uncertain significance for NTRK2-related condition. Last evaluated: 2024-04-30. Review status: no assertion criteria provided. Collection method: clinical testing. Allele origin: germline. Not counted in ClinVar's aggregate classification.
Comment: The NTRK2 c.2348C>T variant is predicted to result in the amino acid substitution p.Thr783Ile. To our knowledge, this variant has not been reported in the literature or in a large population database, indicating this variant is rare. At this time, the clinical significance of this variant is uncertain due to the absence of conclusive functional and genetic evidence.

NM_006180.6(NTRK2):c.2348C>T (p.Thr783Ile)

Gene: NTRK2 (neurotrophic receptor tyrosine kinase 2; plus strand). Cytogenetic location: 9q21.33.
Variant type: single nucleotide variant.
Coding change: c.2348C>T on transcript NM_006180.6 (MANE Select); coding-DNA position 2348, C replaced by T.
Protein change: p.Thr783Ile; replaces threonine 783 with isoleucine.
Molecular consequence: missense variant.
Genome position (GRCh38, 1-based): chr9:85,021,268, C>T. VCF-style: chr9-85021268-C-T. GRCh37 (hg19) VCF-style: chr9-87636183-C-T.
Other names: c.2300C>T, p.Thr767Ile (NM_001018064.3, NM_001369532.1, NM_001369533.1); c.2264C>T, p.Thr755Ile (NM_001369534.1); c.1832C>T, p.Thr611Ile (NM_001369535.1); c.1880C>T, p.Thr627Ile (NM_001369536.1); c.2348C>T, p.Thr783Ile (NM_001381928.1); c.2348C>T (NM_006180.4); short protein forms T755I, T767I, T611I, T627I, T783I.
Identifiers: ClinVar variation 1951109 (VCV001951109.6), dbSNP rs1832763164, ClinGen allele CA374008795.